The following is an entry in ClinVar:

ClinVar aggregate classification (germline): Uncertain significance (1 of 4 stars; one submission).

Conditions:
Neurofibromatosis, type 1 (NF1). Also called: Neurofibromatosis, type I; VON RECKLINGHAUSEN DISEASE; Peripheral type neurofibromatosis; NEUROFIBROMATOSIS, TYPE I, SOMATIC. Identifiers: Orphanet 636, MedGen C0027831, MONDO:0018975, OMIM 162200. Disease mechanism: loss of function.

Submission:

Labcorp Genetics (formerly Invitae), Labcorp
Classification: Uncertain significance for Neurofibromatosis, type 1. Last evaluated: 2019-02-02. Review status: criteria provided, single submitter. Criteria: Invitae Variant Classification Sherloc (09022015). Collection method: clinical testing. Allele origin: germline.
Comment: This sequence change replaces proline with threonine at codon 403 of the NF1 protein (p.Pro403Thr). The proline residue is highly conserved and there is a small physicochemical difference between proline and threonine. In summary, the available evidence is currently insufficient to determine the role of this variant in disease. Therefore, it has been classified as a Variant of Uncertain Significance. Algorithms developed to predict the effect of missense changes on protein structure and function are either unavailable or do not agree on the potential impact of this missense change (SIFT: "Tolerated"; PolyPhen-2: "Probably Damaging"; Align-GVGD: "Class C0"). This variant is not present in population databases (ExAC no frequency).

NM_001042492.3(NF1):c.1207C>A (p.Pro403Thr)

Gene: NF1 (neurofibromin 1; plus strand). Cytogenetic location: 17q11.2.
Variant type: single nucleotide variant.
Coding change: c.1207C>A on transcript NM_001042492.3 (MANE Select); coding-DNA position 1207, C replaced by A.
Protein change: p.Pro403Thr; replaces proline 403 with threonine.
Molecular consequence: missense variant.
Genome position (GRCh38, 1-based): chr17:31,201,432, C>A. VCF-style: chr17-31201432-C-A. GRCh37 (hg19) VCF-style: chr17-29528450-C-A.
Other names: c.1207C>A, p.Pro403Thr (NM_001128147.3, NM_000267.4); short protein forms P403T.
Identifiers: ClinVar variation 861051 (VCV000861051.6), dbSNP rs2066527867, ClinGen allele CA398997497.
Genomic context (GRCh38, chr17:31,201,432, plus strand): 5'-TCATAGAAATAATCTGCTTTTTTTTTTCTTTTTCTATAGATCTGCCTGGCTCAGAATTCA[C>A]CTTCTACATTTCACTATGTGCTGGTAAATTCACTCCATCGAATCATCACCAATGTAAGTC-3'
Protein context (NP_001035957.1, residues 393-413): HFKICLAQNS[Pro403Thr]STFHYVLVNS